The following is an entry in ClinVar:

ClinVar aggregate classification (germline): Uncertain significance (1 of 4 stars; one submission).

Conditions:
Acyl-CoA oxidase deficiency. Also called: STRAIGHT-CHAIN ACYL-CoA OXIDASE DEFICIENCY; Pseudoneonatal adrenoleukodystrophy; Peroxisomal acyl-CoA oxidase deficiency. Identifiers: Orphanet 2971, MedGen C1849678, MONDO:0009919, OMIM 264470. Disease mechanism: loss of function.

Submission:

Labcorp Genetics (formerly Invitae), Labcorp
Classification: Uncertain significance for Acyl-CoA oxidase deficiency. Last evaluated: 2022-08-22. Review status: criteria provided, single submitter. Criteria: Invitae Variant Classification Sherloc (09022015). Collection method: clinical testing. Allele origin: germline.
Comment: In summary, the available evidence is currently insufficient to determine the role of this variant in disease. Therefore, it has been classified as a Variant of Uncertain Significance. Algorithms developed to predict the effect of missense changes on protein structure and function are either unavailable or do not agree on the potential impact of this missense change (SIFT: "Tolerated"; PolyPhen-2: "Possibly Damaging"; Align-GVGD: "Class C0"). This variant has not been reported in the literature in individuals affected with ACOX1-related conditions. This variant is not present in population databases (gnomAD no frequency). This sequence change replaces aspartic acid, which is acidic and polar, with valine, which is neutral and non-polar, at codon 24 of the ACOX1 protein (p.Asp24Val).

NM_004035.7(ACOX1):c.71A>T (p.Asp24Val)

Gene: ACOX1 (acyl-CoA oxidase 1; minus strand). Cytogenetic location: 17q25.1.
Variant type: single nucleotide variant.
Coding change: c.71A>T on transcript NM_004035.7 (MANE Select); coding-DNA position 71, A replaced by T.
Protein change: p.Asp24Val; replaces aspartic acid 24 with valine.
Molecular consequence: missense variant. On other transcripts: 5 prime UTR variant (1).
Genome position (GRCh38, 1-based): chr17:75,979,003, T>A on the plus strand (A>T on the coding strand, the complement: ACOX1 is on the minus strand). VCF-style: chr17-75979003-T-A. GRCh37 (hg19) VCF-style: chr17-73975084-T-A.
Other names: c.-218A>T (NM_001185039.2); c.71A>T, p.Asp24Val (NM_007292.6); short protein forms D24V.
Identifiers: ClinVar variation 2008037 (VCV002008037.4), dbSNP rs1221658686, ClinGen allele CA401084688.